The following is an entry in ClinVar:

ClinVar aggregate classification (germline): Uncertain significance (1 of 4 stars; one submission).

Conditions:
ALG11-congenital disorder of glycosylation. Also called: CONGENITAL DISORDER OF GLYCOSYLATION, TYPE Ip; ALG11-CDG. Identifiers: Orphanet 280071, MedGen C3150913, MONDO:0013349, OMIM 613661.

Allele frequency attached by ClinVar (database versions not stated): ESP Exome Variant Server 0.00008; 1000 Genomes Project 30x 0.00031.
gnomAD v4.1: 82 of 1,613,550 alleles (0.0051%); highest among the groups gnomAD compares: Middle Eastern, 0.017%; no homozygotes.

Submission:

Labcorp Genetics (formerly Invitae), Labcorp
Classification: Uncertain significance for ALG11-congenital disorder of glycosylation. Last evaluated: 2022-11-08. Review status: criteria provided, single submitter. Criteria: Invitae Variant Classification Sherloc (09022015). Collection method: clinical testing. Allele origin: germline.
Comment: In summary, the available evidence is currently insufficient to determine the role of this variant in disease. Therefore, it has been classified as a Variant of Uncertain Significance. Advanced modeling of protein sequence and biophysical properties (such as structural, functional, and spatial information, amino acid conservation, physicochemical variation, residue mobility, and thermodynamic stability) performed at Invitae indicates that this missense variant is not expected to disrupt ALG11 protein function. ClinVar contains an entry for this variant (Variation ID: 1437435). This variant has not been reported in the literature in individuals affected with ALG11-related conditions. This variant is present in population databases (rs142637770, gnomAD 0.004%). This sequence change replaces alanine, which is neutral and non-polar, with glycine, which is neutral and non-polar, at codon 221 of the ALG11 protein (p.Ala221Gly).

NM_001004127.3(ALG11):c.662C>G (p.Ala221Gly)

Gene: ALG11 (ALG11 alpha-1,2-mannosyltransferase; plus strand). Cytogenetic location: 13q14.3.
Variant type: single nucleotide variant.
Coding change: c.662C>G on transcript NM_001004127.3 (MANE Select); coding-DNA position 662, C replaced by G.
Protein change: p.Ala221Gly; replaces alanine 221 with glycine.
Molecular consequence: missense variant.
Genome position (GRCh38, 1-based): chr13:52,024,392, C>G. VCF-style: chr13-52024392-C-G. GRCh37 (hg19) VCF-style: chr13-52598528-C-G.
Other names: short protein forms A221G.
Identifiers: ClinVar variation 1437435 (VCV001437435.8), dbSNP rs142637770, ClinGen allele CA6989950.
Genomic context (GRCh38, chr13:52,024,392, plus strand): 5'-CTATCAGCACCGACATGCTCTCTGTAGTGAAGAATCAAAATATTGGATTTAATAATGCAG[C>G]CTTCATTACCAGGAATCCTTTTCTCAGCAAAGTAAAGCTCATCTACTACTATTTATTTGC-3'
Protein context (NP_001004127.2, residues 211-231): KNQNIGFNNA[Ala221Gly]FITRNPFLSK